The following is an entry in ClinVar:

ClinVar aggregate classification (germline): Benign/Likely benign. Review status: criteria provided, multiple submitters, no conflicts (2 of 4 stars). 3 submissions from 3 submitters: Benign (1); Likely benign (1). 1 of the submissions does not count toward it. Last evaluated 2026-01-04.

Conditions:
FOXP3-related disorder. Also called: FOXP3-related condition.
Insulin-dependent diabetes mellitus secretory diarrhea syndrome (IPEX). Also called: Immunodeficiency, Polyendocrinopathy, and Enteropathy X-Linked Syndrome; X-Linked Syndrome of Polyendocrinopathy, Immune Dysfunction, and Diarrhea; Immunodysregulation, polyendocrinopathy, and enteropathy, X-linked; IPEX and IPEX-Like; X-Linked Autoimmunity-Allergic Dysregulation Syndrome; Immune dysregulation-polyendocrinopathy-enteropathy-X-linked syndrome. Identifiers: Orphanet 37042, MedGen C0342288, MONDO:0010580, OMIM 304790. Disease mechanism: loss of function.

Submissions (3):

Labcorp Genetics (formerly Invitae), Labcorp
Classification: Benign for Insulin-dependent diabetes mellitus secretory diarrhea syndrome. Last evaluated: 2026-01-04. Review status: criteria provided, single submitter. Criteria: Invitae Variant Classification Sherloc (09022015). Collection method: clinical testing. Allele origin: germline.

ARUP Laboratories, Molecular Genetics and Genomics, ARUP Laboratories
Classification: Likely benign for Insulin-dependent diabetes mellitus secretory diarrhea syndrome. Last evaluated: 2025-05-15. Review status: criteria provided, single submitter. Criteria: ARUP Molecular Germline Variant Investigation Process 2024. Collection method: clinical testing. Allele origin: germline.

PreventionGenetics, part of Exact Sciences
Classification: Likely benign for FOXP3-related condition. Last evaluated: 2019-06-05. Review status: no assertion criteria provided. Collection method: clinical testing. Allele origin: germline. Not counted in ClinVar's aggregate classification.
Comment: This variant is classified as likely benign based on ACMG/AMP sequence variant interpretation guidelines (Richards et al. 2015 PMID: 25741868, with internal and published modifications).

NM_014009.4(FOXP3):c.316-3del

Gene: FOXP3 (forkhead box P3; minus strand). Cytogenetic location: Xp11.23.
Variant type: Deletion.
Coding change: c.316-3del on transcript NM_014009.4 (MANE Select); 3 bases into the intron before coding-DNA position 316, one base deleted (C; older notation c.316-3delC).
Molecular consequence: intron variant.
Genome position (GRCh38, 1-based): chrX:49,257,568, G deleted on the plus strand (C on the coding strand, the reverse complement: FOXP3 is on the minus strand); the first of 6 consecutive G bases (chrX:49,257,568-49,257,573); deleting any one gives the same sequence. VCF-style (leftmost placement, unchanged base first): chrX-49257567-TG-T. GRCh37 (hg19) VCF-style: chrX-49114024-TG-T.
Other names: c.211-3del (NM_001114377.2); c.316-3delC (NM_014009.3).
Identifiers: ClinVar variation 1572565 (VCV001572565.11), dbSNP rs782086170, ClinGen allele CA10411825.